The following is an entry in ClinVar:

NM_015338.6(ASXL1):c.3778G>A (p.Gly1260Arg)

Gene: ASXL1 (ASXL transcriptional regulator 1; plus strand). Cytogenetic location: 20q11.21.
Variant type: single nucleotide variant.
Coding change: c.3778G>A on transcript NM_015338.6 (MANE Select); coding-DNA position 3778, G replaced by A.
Protein change: p.Gly1260Arg; replaces glycine 1260 with arginine.
Molecular consequence: missense variant.
Genome position (GRCh38, 1-based): chr20:32,436,490, G>A. VCF-style: chr20-32436490-G-A. GRCh37 (hg19) VCF-style: chr20-31024293-G-A.
Other names: c.3595G>A, p.Gly1199Arg (NM_001363734.1); short protein forms G1260R, G1199R.
Identifiers: ClinVar variation 3957000 (VCV003957000.1).

ClinVar aggregate classification (germline): Uncertain significance (1 of 4 stars; one submission).

Conditions:
Inborn genetic diseases. Identifiers: MedGen C0950123, MeSH D030342.

gnomAD v4.1: 9 of 1,614,200 alleles (0.00056%); highest among the groups gnomAD compares: Non-Finnish European, 0.00068%; no homozygotes.

Submission:

Ambry Genetics
Classification: Uncertain significance for Inborn genetic diseases. Last evaluated: 2025-05-17. Review status: criteria provided, single submitter. Criteria: Ambry Variant Classification Scheme 2023. Collection method: clinical testing. Allele origin: germline.
Comment: The p.G1260R variant (also known as c.3778G>A), located in coding exon 13 of the ASXL1 gene, results from a G to A substitution at nucleotide position 3778. The glycine at codon 1260 is replaced by arginine, an amino acid with dissimilar properties. This amino acid position is conserved. In addition, this alteration is predicted to be tolerated by in silico analysis. Based on the available evidence, the clinical significance of this variant remains unclear.